The following is an entry in ClinVar:

NM_001377.3(DYNC2H1):c.6880G>A (p.Gly2294Arg)

Gene: DYNC2H1 (dynein cytoplasmic 2 heavy chain 1; plus strand). Cytogenetic location: 11q22.3.
Variant type: single nucleotide variant.
Coding change: c.6880G>A on transcript NM_001377.3 (MANE Select); coding-DNA position 6880, G replaced by A.
Protein change: p.Gly2294Arg; replaces glycine 2294 with arginine.
Molecular consequence: missense variant.
Genome position (GRCh38, 1-based): chr11:103,186,488, G>A. VCF-style: chr11-103186488-G-A. GRCh37 (hg19) VCF-style: chr11-103057217-G-A.
Other names: c.6880G>A, p.Gly2294Arg (NM_001080463.2); short protein forms G2294R.
Identifiers: ClinVar variation 2629504 (VCV002629504.1), dbSNP rs1565377960, ClinGen allele CA382250797.

ClinVar aggregate classification (germline): Uncertain significance (1 of 4 stars; one submission).

Conditions:
DYNC2H1-related disorder. Also called: DYNC2H1-related condition; DYNC2H1-related disorders. Identifiers: MedGen CN378770.

Allele frequency attached by ClinVar (database versions not stated): gnomAD exomes below 0.00001.
gnomAD v4.1: 1 of 1,610,610 alleles (0.000062%); highest among the groups gnomAD compares: Non-Finnish European, 0.000085%; no homozygotes.

Submission:

PreventionGenetics, part of Exact Sciences
Classification: Uncertain significance for DYNC2H1-related condition. Last evaluated: 2023-08-07. Review status: criteria provided, single submitter. Criteria: ACMG Guidelines, 2015. Collection method: clinical testing. Allele origin: germline.
Comment: The DYNC2H1 c.6880G>A variant is predicted to result in the amino acid substitution p.Gly2294Arg. To our knowledge, this variant has not been reported in the literature. This variant is rare; it was reported in one allele in gnomAD. At this time, the clinical significance of this variant is uncertain due to the absence of conclusive functional and genetic evidence.